The following is an entry in ClinVar:

ClinVar aggregate classification (germline): Pathogenic. Review status: criteria provided, single submitter (1 of 4 stars). 2 submissions from 2 submitters: Pathogenic (1). 1 of the submissions does not count toward it. Last evaluated 2022-03-13.

Conditions:
Alstrom syndrome (ALMS). Identifiers: Orphanet 64, MedGen C0268425, MONDO:0008763, OMIM 203800.

Submissions (2):

Labcorp Genetics (formerly Invitae), Labcorp
Classification: Pathogenic for Alstrom syndrome. Last evaluated: 2022-03-13. Review status: criteria provided, single submitter. Criteria: Invitae Variant Classification Sherloc (09022015). Collection method: clinical testing. Allele origin: germline.
Comment: This variant is not present in population databases (gnomAD no frequency). This premature translational stop signal has been observed in individual(s) with Alström syndrome (PMID: 25296579). ClinVar contains an entry for this variant (Variation ID: 556112). For these reasons, this variant has been classified as Pathogenic. This sequence change creates a premature translational stop signal (p.Leu538Glnfs*12) in the ALMS1 gene. It is expected to result in an absent or disrupted protein product. Loss-of-function variants in ALMS1 are known to be pathogenic (PMID: 17594715).

Counsyl
Classification: Likely pathogenic for Alstrom syndrome. Last evaluated: 2018-01-15. Review status: no assertion criteria provided. Collection method: clinical testing. Allele origin: unknown. Not counted in ClinVar's aggregate classification.

Literature cited by the submitters: PubMed 25296579 (cited by Labcorp Genetics (formerly Invitae), Labcorp); PubMed 17594715 (cited by Labcorp Genetics (formerly Invitae), Labcorp); PubMed 25846608 (cited by Counsyl).

NM_001378454.1(ALMS1):c.1610_1611del (p.Leu537fs)

Gene: ALMS1 (ALMS1 centrosome and basal body associated protein; plus strand). Cytogenetic location: 2p13.1.
Variant type: Microsatellite.
Coding change: c.1610_1611del on transcript NM_001378454.1 (MANE Select); coding-DNA positions 1610 to 1611, 2 bases deleted (TC; older notation c.1610_1611delTC).
Protein change: p.Leu537fs; shifts the reading frame from leucine 537.
Molecular consequence: frameshift variant.
Genome position (GRCh38, 1-based): chr2:73,448,137-73,448,138, TC deleted; deleting any 2 consecutive bases within chr2:73,448,134-73,448,138 gives the same sequence; the c. name uses the placement nearest the transcript's 3' end. VCF-style (leftmost placement, unchanged base first): chr2-73448133-ACT-A. GRCh37 (hg19) VCF-style: chr2-73675260-ACT-A.
Other names: c.1613_1614del, p.Leu538fs (NM_015120.4); c.1613_1614delTC (NM_015120.4); short protein forms L538fs, L537fs.
Identifiers: ClinVar variation 556112 (VCV000556112.6), dbSNP rs1553403282, ClinGen allele CA658823020.
Genomic context (GRCh38, chr2:73,448,133, plus strand): 5'-GACCTGTCTCAGTTGGCTGTAAGTTCTCCTCTAGAAACTACTACTGGTCAACACACTGAT[ACT>A]CTCAACCAAAAGACATTAGCAGATACTCATCTAACTGAAGAGACTCTGAAAGTCACAGCT-3'